The following is an entry in ClinVar:

ClinVar aggregate classification (germline): Likely benign. Review status: reviewed by expert panel (3 of 4 stars). 6 submissions from 6 submitters: Likely benign (1). 5 of the submissions do not count toward it. Last evaluated 2017-06-29.

Conditions:
BRCA2-related disorder. Also called: BRCA2-related condition; BRCA2-related disorders. Identifiers: MedGen CN239275.
Hereditary cancer-predisposing syndrome. Also called: Hereditary Cancer Syndrome; Neoplastic Syndromes, Hereditary; Tumor predisposition; Hereditary neoplastic syndrome. Identifiers: Orphanet 140162, MedGen C0027672, MeSH D009386, MONDO:0015356.
Breast-ovarian cancer, familial, susceptibility to, 2 (BROVCA2). Also called: BRCA2 Hereditary Breast and Ovarian Cancer. Identifiers: Orphanet 145, MedGen C2675520, MONDO:0012933, OMIM 612555. Disease mechanism: loss of function.
Hereditary breast ovarian cancer syndrome. Also called: Hereditary breast and/or ovarian cancer syndrome; BRCA1- and BRCA2-Associated Hereditary Breast and Ovarian Cancer; Hereditary breast and ovarian cancer syndrome (HBOC); Hereditary breast and ovarian cancer; Hereditary breast and ovarian cancer syndrome; Breast and ovarian cancer. Identifiers: Orphanet 145, MedGen C0677776, MeSH D061325, MONDO:0003582. Disease mechanism: loss of function.

Allele frequency attached by ClinVar (database versions not stated): gnomAD exomes below 0.00001 and 0.00002; ExAC 0.00001.
gnomAD v4.1: 5 of 1,602,018 alleles (0.00031%); highest among the groups gnomAD compares: South Asian, 0.0045%; no homozygotes.

Submissions (6):

Evidence-based Network for the Interpretation of Germline Mutant Alleles (ENIGMA)
Classification: Likely benign for Breast-ovarian cancer, familial, susceptibility to, 2. Last evaluated: 2017-06-29. Review status: reviewed by expert panel. Criteria: ENIGMA BRCA1/2 Classification Criteria (2017-06-29). Collection method: curation. Allele origin: germline.
Comment: Synonymous substitution variant, with low bioinformatic likelihood to result in a splicing aberration (Splicing prior probability 0.02).

Labcorp Genetics (formerly Invitae), Labcorp
Classification: Likely benign for Hereditary breast ovarian cancer syndrome. Last evaluated: 2026-01-07. Review status: criteria provided, single submitter. Criteria: Invitae Variant Classification Sherloc (09022015). Collection method: clinical testing. Allele origin: germline. Not counted in ClinVar's aggregate classification.

All of Us Research Program, National Institutes of Health
Classification: Likely benign for Breast-ovarian cancer, familial, susceptibility to, 2. Last evaluated: 2023-12-18. Review status: criteria provided, single submitter. Criteria: ACMG Guidelines, 2015. Collection method: clinical testing. Allele origin: germline. Inheritance: Autosomal dominant inheritance. Observed: 2 variant alleles, 2 heterozygotes. Not counted in ClinVar's aggregate classification.
Comment: This study involves interpretation of variants in research participants for the purpose of population health screening. Participant phenotype was not available at the time of variant classification. Additional details can be found in publication PMID: 35346344, PMCID: PMC8962531

Color Diagnostics, LLC DBA Color Health
Classification: Likely benign for Hereditary cancer-predisposing syndrome. Last evaluated: 2016-07-17. Review status: criteria provided, single submitter. Criteria: ACMG Guidelines, 2015. Collection method: clinical testing. Allele origin: germline. Not counted in ClinVar's aggregate classification.

Ambry Genetics
Classification: Likely benign for Hereditary cancer-predisposing syndrome. Last evaluated: 2015-02-25. Review status: criteria provided, single submitter. Criteria: Ambry Variant Classification Scheme 2023. Collection method: clinical testing. Allele origin: germline. Not counted in ClinVar's aggregate classification.

PreventionGenetics, part of Exact Sciences
Classification: Likely benign for BRCA2-related condition. Last evaluated: 2023-12-20. Review status: no assertion criteria provided. Collection method: clinical testing. Allele origin: germline. Not counted in ClinVar's aggregate classification.
Comment: This variant is classified as likely benign based on ACMG/AMP sequence variant interpretation guidelines (Richards et al. 2015 PMID: 25741868, with internal and published modifications).

NM_000059.4(BRCA2):c.3219G>A (p.Gln1073=)

Gene: BRCA2 (BRCA2 DNA repair associated; plus strand). Cytogenetic location: 13q13.1.
Variant type: single nucleotide variant.
Coding change: c.3219G>A on transcript NM_000059.4 (MANE Select); coding-DNA position 3219, G replaced by A.
Protein change: p.Gln1073=; no amino-acid change (glutamine 1073 retained).
Molecular consequence: synonymous variant.
Genome position (GRCh38, 1-based): chr13:32,337,574, G>A. VCF-style: chr13-32337574-G-A. GRCh37 (hg19) VCF-style: chr13-32911711-G-A.
Identifiers: ClinVar variation 230820 (VCV000230820.20), dbSNP rs753935319, ClinGen allele CA6940678.
Genomic context (GRCh38, chr13:32,337,574, plus strand): 5'-AGATAATCAAAAGAAACTGAGCAAGCCTCAGTCAATTAATACTGTATCTGCACATTTACA[G>A]AGTAGTGTAGTTGTTTCTGATTGTAAAAATAGTCATATAACCCCTCAGATGTTATTTTCC-3'
Protein context (NP_000050.3, residues 1063-1083): QSINTVSAHL[Gln1073=]SSVVVSDCKN